The following is an entry in ClinVar:

ClinVar aggregate classification (germline): Uncertain significance. Review status: criteria provided, multiple submitters, no conflicts (2 of 4 stars). 3 submissions from 3 submitters: Uncertain significance (3). Last evaluated 2025-05-05.

Conditions:
Inborn genetic diseases. Identifiers: MedGen C0950123, MeSH D030342.
Autosomal recessive inherited pseudoxanthoma elasticum (PXE). Identifiers: Orphanet 758, MedGen CN032334, MONDO:0009925, OMIM 264800.
Pseudoxanthoma elasticum, forme fruste. Also called: PSEUDOXANTHOMA ELASTICUM, HETEROZYGOUS; Pseudoxanthoma Elasticum, Incomplete. Identifiers: Orphanet 758, MedGen C1867450, MONDO:0008333, OMIM 177850.
Arterial calcification, generalized, of infancy, 2. Identifiers: Orphanet 51608, MedGen C3276161, MONDO:0013768, OMIM 614473.

Allele frequency attached by ClinVar (database versions not stated): TOPMed 0.00005; gnomAD 0.00002.
gnomAD v4.1: 26 of 1,613,620 alleles (0.0016%); highest among the groups gnomAD compares: Middle Eastern, 0.016%; no homozygotes.

Submissions (3):

Ambry Genetics
Classification: Uncertain significance for Inborn genetic diseases. Last evaluated: 2025-05-05. Review status: criteria provided, single submitter. Criteria: Ambry Variant Classification Scheme 2023. Collection method: clinical testing. Allele origin: germline.

Fulgent Genetics
Classification: Uncertain significance for Pseudoxanthoma elasticum, forme fruste; Autosomal recessive inherited pseudoxanthoma elasticum; Arterial calcification, generalized, of infancy, 2. Last evaluated: 2024-03-07. Review status: criteria provided, single submitter. Criteria: ACMG Guidelines, 2015. Collection method: clinical testing. Allele origin: germline.

Labcorp Genetics (formerly Invitae), Labcorp
Classification: Uncertain significance. Last evaluated: 2023-05-15. Review status: criteria provided, single submitter. Criteria: Invitae Variant Classification Sherloc (09022015). Collection method: clinical testing. Allele origin: germline.
Comment: In summary, the available evidence is currently insufficient to determine the role of this variant in disease. Therefore, it has been classified as a Variant of Uncertain Significance. Advanced modeling of protein sequence and biophysical properties (such as structural, functional, and spatial information, amino acid conservation, physicochemical variation, residue mobility, and thermodynamic stability) performed at Invitae indicates that this missense variant is not expected to disrupt ABCC6 protein function. ClinVar contains an entry for this variant (Variation ID: 1380313). This variant has not been reported in the literature in individuals affected with ABCC6-related conditions. This variant is present in population databases (no rsID available, gnomAD 0.008%). This sequence change replaces arginine, which is basic and polar, with glutamine, which is neutral and polar, at codon 1064 of the ABCC6 protein (p.Arg1064Gln).

NM_001171.6(ABCC6):c.3191G>A (p.Arg1064Gln)

Gene: ABCC6 (ATP binding cassette subfamily C member 6; minus strand). Cytogenetic location: 16p13.11.
Variant type: single nucleotide variant.
Coding change: c.3191G>A on transcript NM_001171.6 (MANE Select); coding-DNA position 3191, G replaced by A.
Protein change: p.Arg1064Gln; replaces arginine 1064 with glutamine.
Molecular consequence: missense variant. On other transcripts: non-coding transcript variant (1).
Genome position (GRCh38, 1-based): chr16:16,165,738, C>T on the plus strand (G>A on the coding strand, the complement: ABCC6 is on the minus strand). VCF-style: chr16-16165738-C-T. GRCh37 (hg19) VCF-style: chr16-16259595-C-T.
Other names: c.3191G>A (NM_001171.5); c.2849G>A, p.Arg950Gln (NM_001351800.1); short protein forms R1064Q, R950Q.
Identifiers: ClinVar variation 1380313 (VCV001380313.9), dbSNP rs774796759, ClinGen allele CA278633018.